The following is an entry in ClinVar:

ClinVar aggregate classification (germline): Likely benign (0 of 4 stars; one submission).

Conditions:
GRWD1-related disorder. Also called: GRWD1-related condition.

Allele frequency attached by ClinVar (database versions not stated): ExAC 0.00007; TOPMed 0.00008; gnomAD 0.00009.
gnomAD v4.1: 113 of 1,614,008 alleles (0.007%); highest among the groups gnomAD compares: East Asian, 0.04%; 1 homozygote.

Submission:

PreventionGenetics, part of Exact Sciences
Classification: Likely benign for GRWD1-related condition. Last evaluated: 2019-10-28. Review status: no assertion criteria provided. Collection method: clinical testing. Allele origin: germline.
Comment: This variant is classified as likely benign based on ACMG/AMP sequence variant interpretation guidelines (Richards et al. 2015 PMID: 25741868, with internal and published modifications).

NM_031485.4(GRWD1):c.930C>T (p.Asp310=)

Gene: GRWD1 (glutamate rich WD repeat containing 1; plus strand). Cytogenetic location: 19q13.33.
Variant type: single nucleotide variant.
Coding change: c.930C>T on transcript NM_031485.4 (MANE Select); coding-DNA position 930, C replaced by T.
Protein change: p.Asp310=; no amino-acid change (aspartic acid 310 retained).
Molecular consequence: synonymous variant.
Genome position (GRCh38, 1-based): chr19:48,451,138, C>T. VCF-style: chr19-48451138-C-T. GRCh37 (hg19) VCF-style: chr19-48954395-C-T.
Identifiers: ClinVar variation 3046006 (VCV003046006.2), dbSNP rs370055883, ClinGen allele CA9551195.